The following is an entry in ClinVar:

NM_000414.4(HSD17B4):c.694G>A (p.Glu232Lys)

Gene: HSD17B4 (hydroxysteroid 17-beta dehydrogenase 4; plus strand). Cytogenetic location: 5q23.1.
Variant type: single nucleotide variant.
Coding change: c.694G>A on transcript NM_000414.4 (MANE Select); coding-DNA position 694, G replaced by A.
Protein change: p.Glu232Lys; replaces glutamic acid 232 with lysine.
Molecular consequence: missense variant. On other transcripts: non-coding transcript variant (2).
Genome position (GRCh38, 1-based): chr5:119,489,263, G>A. VCF-style: chr5-119489263-G-A. GRCh37 (hg19) VCF-style: chr5-118824958-G-A.
Other names: c.769G>A, p.Glu257Lys (NM_001199291.3); c.640G>A, p.Glu214Lys (NM_001199292.2); c.622G>A, p.Glu208Lys (NM_001292027.2); c.274G>A, p.Glu92Lys (NM_001292028.2); c.685G>A, p.Glu229Lys (NM_001374497.1); c.694G>A, p.Glu232Lys (NM_001374498.1); c.367G>A, p.Glu123Lys (NM_001374499.1); c.253G>A, p.Glu85Lys (NM_001374500.1); and 1 more; short protein forms E123K, E208K, E214K, E229K, E232K, E257K, E85K, E92K.
Identifiers: ClinVar variation 1809762 (VCV001809762.2), dbSNP rs917423439, ClinGen allele CA125873847.

ClinVar aggregate classification (germline): Uncertain significance. Review status: criteria provided, multiple submitters, no conflicts (2 of 4 stars). 2 submissions from 2 submitters: Uncertain significance (2). Last evaluated 2022-08-03.

Allele frequency attached by ClinVar (database versions not stated): gnomAD exomes 0.00001.
gnomAD v4.1: 15 of 1,611,932 alleles (0.00093%); highest among the groups gnomAD compares: Non-Finnish European, 0.0012%; no homozygotes.

Submissions (2):

Blueprint Genetics
Classification: Uncertain significance. Last evaluated: 2022-08-03. Review status: criteria provided, single submitter. Criteria: ACMG Guidelines, 2015. Collection method: clinical testing. Allele origin: germline.

Athena Diagnostics
Classification: Uncertain significance. Last evaluated: 2020-12-02. Review status: criteria provided, single submitter. Criteria: Athena Diagnostics Criteria. Collection method: clinical testing. Allele origin: unknown.
Comment: This observation is not an independent occurrence and has been identified in the same individual by RCIGM, the other laboratory participating in the GEMINI study.